The following is an entry in ClinVar:

ClinVar aggregate classification (germline): Conflicting classifications of pathogenicity. Review status: criteria provided, conflicting classifications (1 of 4 stars). 2 submissions from 2 submitters: Uncertain significance (1); Likely benign (1). Last evaluated 2022-08-01.

Conditions:
Congenital brain dysgenesis due to glutamine synthetase deficiency (GLND). Also called: GLUTAMINE SYNTHASE DEFICIENCY, CONGENITAL SYSTEMIC. Identifiers: Orphanet 71278, MedGen C1864910, MONDO:0012393, OMIM 610015.

Allele frequency attached by ClinVar (database versions not stated): 1000 Genomes Project 30x 0.00031; 1000 Genomes Project 0.00040; gnomAD 0.00061 and 0.00064; gnomAD exomes 0.00078; TOPMed 0.00083.
gnomAD v4.1: 285 of 398,544 alleles (0.072%); highest among the groups gnomAD compares: Admixed American, 0.13%; 1 homozygote.

Submissions (2):

CeGaT Center for Human Genetics Tuebingen
Classification: Likely benign. Last evaluated: 2022-08-01. Review status: criteria provided, single submitter. Criteria: CeGaT Center For Human Genetics Tuebingen Variant Classification Criteria Version 2. Collection method: clinical testing. Allele origin: germline. Affected: yes. Observed: 1 variant allele.
Comment: GLUL: BP4, BP7

Illumina Laboratory Services, Illumina
Classification: Uncertain significance for Congenital brain dysgenesis due to glutamine synthetase deficiency. Last evaluated: 2018-01-13. Review status: criteria provided, single submitter. Criteria: ICSL Variant Classification Criteria 13 December 2019. Collection method: clinical testing. Allele origin: germline.

NM_001033044.4(GLUL):c.-14+997A>G

Gene: GLUL (glutamate-ammonia ligase; minus strand). Cytogenetic location: 1q25.3.
Variant type: single nucleotide variant.
Coding change: c.-14+997A>G on transcript NM_001033044.4 (MANE Select); 997 bases into the intron after 14 bases upstream of the start codon, A replaced by G.
Molecular consequence: intron variant. On other transcripts: 5 prime UTR variant (1).
Genome position (GRCh38, 1-based): chr1:182,390,682, T>C on the plus strand (A>G on the coding strand, the complement: GLUL is on the minus strand). VCF-style: chr1-182390682-T-C. GRCh37 (hg19) VCF-style: chr1-182359817-T-C.
Other names: c.-199A>G (NM_002065.7); c.-14+493A>G (NM_001033056.4).
Identifiers: ClinVar variation 293953 (VCV000293953.29), dbSNP rs187277313, ClinGen allele CA10608924.
Genomic context (GRCh38, chr1:182,390,682, plus strand): 5'-AGAGGGCGATGGAGAAGGGGACAGACAGCGGCCGGCCCGGGGGGTGTCCGAACAGGCAGG[T>C]TGGTGGGTTAAGGTCTTAATCTTGACTCGAGATCTCTCCCCGGAGTTCACAGAGTAGGCG-3'